The following is an entry in ClinVar:

ClinVar aggregate classification (germline): Uncertain significance (1 of 4 stars; one submission).

Conditions:
Inborn genetic diseases. Identifiers: MedGen C0950123, MeSH D030342.

gnomAD v4.1: 3 of 1,570,420 alleles (0.00019%); highest among the groups gnomAD compares: Non-Finnish European, 0.00026%; no homozygotes.

Submission:

Ambry Genetics
Classification: Uncertain significance for Inborn genetic diseases. Last evaluated: 2026-04-28. Review status: criteria provided, single submitter. Criteria: Ambry Variant Classification Scheme 2023. Collection method: clinical testing. Allele origin: germline.
Comment: The p.A659T variant (also known as c.1975G>A), located in coding exon 12 of the RECQL4 gene, results from a G to A substitution at nucleotide position 1975. The alanine at codon 659 is replaced by threonine, an amino acid with similar properties. This amino acid position is conserved. In addition, this alteration is predicted to be tolerated by in silico analysis. Based on the available evidence, the clinical significance of this variant remains unclear.

NM_004260.4(RECQL4):c.1975G>A (p.Ala659Thr)

Gene: RECQL4 (RecQ like helicase 4; minus strand). Cytogenetic location: 8q24.3.
Variant type: single nucleotide variant.
Coding change: c.1975G>A on transcript NM_004260.4 (MANE Select); coding-DNA position 1975, G replaced by A.
Protein change: p.Ala659Thr; replaces alanine 659 with threonine.
Molecular consequence: missense variant. On other transcripts: non-coding transcript variant (3).
Genome position (GRCh38, 1-based): chr8:144,514,011, C>T on the plus strand (G>A on the coding strand, the complement: RECQL4 is on the minus strand). VCF-style: chr8-144514011-C-T. GRCh37 (hg19) VCF-style: chr8-145739395-C-T.
Other names: c.1879G>A, p.Ala627Thr (NM_001413017.1, NM_001413020.1); c.1975G>A, p.Ala659Thr (NM_001413018.1, NM_001413019.1, NM_001413036.1); c.904G>A, p.Ala302Thr (NM_001413021.1, NM_001413022.1, NM_001413023.1 and 6 more transcripts); c.1846G>A, p.Ala616Thr (NM_001413025.1); c.838G>A, p.Ala280Thr (NM_001413027.1, NM_001413030.1, NM_001413032.1 and 1 more transcripts); c.1624G>A, p.Ala542Thr (NM_001413029.1); c.706G>A, p.Ala236Thr (NM_001413031.1); c.1843G>A, p.Ala615Thr (NM_001413033.1); and 4 more; short protein forms A170T, A236T, A258T, A280T, A292T, A302T, A542T, A615T.
Identifiers: ClinVar variation 4863174 (VCV004863174.1).